The following is an entry in ClinVar:

ClinVar aggregate classification (germline): Pathogenic. Review status: criteria provided, multiple submitters, no conflicts (2 of 4 stars). 3 submissions from 3 submitters: Pathogenic (2). 1 of the submissions does not count toward it. Last evaluated 2024-03-27.

Conditions:
COL1A1-related disorder. Also called: COL1A1-related condition; COL1A1- related disease.
Osteogenesis imperfecta type I (OI1). Also called: OI, TYPE I; OSTEOGENESIS IMPERFECTA TARDA; OSTEOGENESIS IMPERFECTA WITH BLUE SCLERAE; Osteogenesis imperfecta type 1; Classic Non-deforming Osteogenesis Imperfecta with Blue Sclerae; Lobstein's Disease. Identifiers: Orphanet 216796, Orphanet 666, MedGen C0023931, MONDO:0008146, OMIM 166200. Disease mechanism: loss of function.

Submissions (3):

Blueprint Genetics
Classification: Pathogenic for COL1A1-related disorders. Last evaluated: 2024-03-27. Review status: criteria provided, single submitter. Criteria: ACMG Guidelines, 2015. Collection method: clinical testing. Allele origin: germline. Affected: yes. Observed: 1 variant allele.

Labcorp Genetics (formerly Invitae), Labcorp
Classification: Pathogenic for Osteogenesis imperfecta type I. Last evaluated: 2024-02-24. Review status: criteria provided, single submitter. Criteria: Invitae Variant Classification Sherloc (09022015). Collection method: clinical testing. Allele origin: germline.
Comment: This sequence change creates a premature translational stop signal (p.Pro850Leufs*258) in the COL1A1 gene. It is expected to result in an absent or disrupted protein product. Loss-of-function variants in COL1A1 are known to be pathogenic (PMID: 7942841, 9295084, 9443882). This variant is not present in population databases (gnomAD no frequency). This premature translational stop signal has been observed in individual(s) with osteogenesis imperfecta (PMID: 26177859). ClinVar contains an entry for this variant (Variation ID: 425584). For these reasons, this variant has been classified as Pathogenic.

Department of Medical Sciences, Uppsala University
Classification: Pathogenic for OI type I. Review status: no assertion criteria provided. Collection method: clinical testing. Allele origin: paternal. Affected: yes. Observed: 1 variant allele. Not counted in ClinVar's aggregate classification.

Literature cited by the submitters: PubMed 7942841 (cited by Labcorp Genetics (formerly Invitae), Labcorp); PubMed 9295084 (cited by Labcorp Genetics (formerly Invitae), Labcorp); PubMed 9443882 (cited by Labcorp Genetics (formerly Invitae), Labcorp); PubMed 26177859 (cited by Labcorp Genetics (formerly Invitae), Labcorp); PubMed 25944380 (cited by Department of Medical Sciences, Uppsala University).

NM_000088.4(COL1A1):c.2549del (p.Pro850fs)

Gene: COL1A1 (collagen type I alpha 1 chain; minus strand). Cytogenetic location: 17q21.33.
Variant type: Deletion.
Coding change: c.2549del on transcript NM_000088.4 (MANE Select); coding-DNA position 2549, one base deleted (C; older notation c.2549delC).
Protein change: p.Pro850fs; shifts the reading frame from proline 850.
Molecular consequence: frameshift variant.
Genome position (GRCh38, 1-based): chr17:50,190,011, G deleted on the plus strand (C on the coding strand, the reverse complement: COL1A1 is on the minus strand); the first of 5 consecutive G bases (chr17:50,190,011-50,190,015); deleting any one gives the same sequence. VCF-style (leftmost placement, unchanged base first): chr17-50190010-AG-A. GRCh37 (hg19) VCF-style: chr17-48267371-AG-A.
Other names: c.2549delC (NM_000088.3); c.2549del, p.Pro850fs (LRG_1t1); short protein forms P850fs.
Identifiers: ClinVar variation 425584 (VCV000425584.11), dbSNP rs1114167379, ClinGen allele CA645294105.
Genomic context (GRCh38, chr17:50,190,010, plus strand): 5'-CCTGGGTCCCAGCCCACCAGCCTCGTGGGCACAGAGGGCCAAGCCACTCACAATGGGGCC[AG>A]GGGGTCCAGCGGGTCCGGCAGGGCCAGGGGGACCAGCATCGCCTTTAGCACCAGCATCAC-3'